The following is an entry in ClinVar:

ClinVar aggregate classification (germline): Benign/Likely benign. Review status: criteria provided, multiple submitters, no conflicts (2 of 4 stars). 6 submissions from 6 submitters: Benign (4); Likely benign (2). Last evaluated 2026-02-01.

Conditions:
Koolen-de Vries syndrome (KDVS). Identifiers: Orphanet 96169, MedGen C1864871, MONDO:0012496, OMIM 610443.

Allele frequency attached by ClinVar (database versions not stated): gnomAD 0.00032 and 0.00063; gnomAD exomes 0.00048 and 0.00112; TOPMed 0.00077; ExAC 0.00109; 1000 Genomes Project 30x 0.00406; 1000 Genomes Project 0.00459.
gnomAD v4.1: 818 of 1,614,152 alleles (0.051%); highest among the groups gnomAD compares: East Asian, 1.3%; 11 homozygotes.

Submissions (6):

Labcorp Genetics (formerly Invitae), Labcorp
Classification: Benign for Koolen-de Vries syndrome. Last evaluated: 2026-02-01. Review status: criteria provided, single submitter. Criteria: Invitae Variant Classification Sherloc (09022015). Collection method: clinical testing. Allele origin: germline.

ARUP Laboratories, Molecular Genetics and Genomics, ARUP Laboratories
Classification: Benign for Koolen-de Vries syndrome. Last evaluated: 2025-07-15. Review status: criteria provided, single submitter. Criteria: ARUP Molecular Germline Variant Investigation Process 2024. Collection method: clinical testing. Allele origin: germline.

Blueprint Genetics
Classification: Likely benign. Last evaluated: 2024-11-14. Review status: criteria provided, single submitter. Criteria: ACMG Guidelines, 2015. Collection method: clinical testing. Allele origin: germline.

CeGaT Center for Human Genetics Tuebingen
Classification: Benign. Last evaluated: 2023-09-01. Review status: criteria provided, single submitter. Criteria: CeGaT Center For Human Genetics Tuebingen Variant Classification Criteria Version 2. Collection method: clinical testing. Allele origin: germline. Affected: yes. Observed: 1 variant allele.
Comment: KANSL1: BP4, BS1, BS2

Fulgent Genetics
Classification: Likely benign for Koolen-de Vries syndrome. Last evaluated: 2021-09-27. Review status: criteria provided, single submitter. Criteria: ACMG Guidelines, 2015. Collection method: clinical testing. Allele origin: unknown.

GeneDx
Classification: Benign. Last evaluated: 2014-04-16. Review status: criteria provided, single submitter. Criteria: GeneDx Variant Classification (06012015). Collection method: clinical testing. Allele origin: germline. Affected: yes.
Comment: This variant is considered likely benign or benign based on one or more of the following criteria: it is a conservative change, it occurs at a poorly conserved position in the protein, it is predicted to be benign by multiple in silico algorithms, and/or has population frequency not consistent with disease.

NM_015443.4(KANSL1):c.2698G>A (p.Gly900Arg)

Gene: KANSL1 (KAT8 regulatory NSL complex subunit 1). Cytogenetic location: 17q21.31.
Variant type: single nucleotide variant.
Coding change: c.2698G>A on transcript NM_015443.4 (MANE Select); coding-DNA position 2698, G replaced by A.
Protein change: p.Gly900Arg; replaces glycine 900 with arginine.
Molecular consequence: missense variant.
Genome position (GRCh38, 1-based): chr17:46,033,429, C>T on the plus strand (G>A on the coding strand, the complement: KANSL1 is on the minus strand). VCF-style: chr17-46033429-C-T. GRCh37 (hg19) VCF-style: chr17-44110795-C-T.
Other names: p.G900R:GGG>AGG; c.2695G>A, p.Gly899Arg (NM_001193465.2); c.2698G>A, p.Gly900Arg (NM_001193466.2, NM_001379198.1); short protein forms G900R, G899R.
Identifiers: ClinVar variation 137970 (VCV000137970.39), dbSNP rs74867664, ClinGen allele CA291707.
Genomic context (GRCh38, chr17:46,033,429, plus strand): 5'-ACGTGTTCTTCTAACAGAAGAACCAGGCCATTACCTCTTCATTCTCCTCATCAGGACTCC[C>T]CTTCAGAGACTGAAGATCAACCTCCCGCCAGCTGCAAAACCAAGAACAGACAATCATGAG-3'
Protein context (NP_056258.1, residues 890-910): WREVDLQSLK[Gly900Arg]SPDEENEEIE